The following is an entry in ClinVar:

ClinVar aggregate classification (germline): Likely benign. Review status: criteria provided, multiple submitters, no conflicts (2 of 4 stars). 3 submissions from 3 submitters: Likely benign (3). Last evaluated 2025-01-04.

Conditions:
TNFRSF21-related condition.

Allele frequency attached by ClinVar (database versions not stated): 1000 Genomes Project 30x 0.00172; TOPMed 0.00234; gnomAD exomes 0.00248 and 0.00480; gnomAD 0.00259 and 0.00266; ESP Exome Variant Server 0.00325; ExAC 0.00719; 1000 Genomes Project 0.00160.
gnomAD v4.1: 7,014 of 1,550,574 alleles (0.45%); highest among the groups gnomAD compares: Non-Finnish European, 0.58%; 30 homozygotes.

Submissions (3):

PreventionGenetics, part of Exact Sciences
Classification: Likely benign for TNFRSF21-related condition. Last evaluated: 2025-01-04. Review status: criteria provided, single submitter. Criteria: ACMG Guidelines, 2015. Collection method: clinical testing. Allele origin: germline.
Comment: This variant is classified as likely benign based on ACMG/AMP sequence variant interpretation guidelines (Richards et al. 2015 PMID: 25741868, with internal and published modifications).

Labcorp Genetics (formerly Invitae), Labcorp
Classification: Likely benign. Last evaluated: 2018-07-25. Review status: criteria provided, single submitter. Criteria: Invitae Variant Classification Sherloc (09022015). Collection method: clinical testing. Allele origin: germline.

Breakthrough Genomics
Classification: Likely benign. Review status: criteria provided, single submitter. Criteria: ACMG Guidelines, 2015. Collection method: not provided. Allele origin: germline. Inheritance: Unknown mechanism. Affected: yes.

NM_014452.5(TNFRSF21):c.67G>T (p.Ala23Ser)

Gene: TNFRSF21 (TNF receptor superfamily member 21; minus strand). Cytogenetic location: 6p12.3.
Variant type: single nucleotide variant.
Coding change: c.67G>T on transcript NM_014452.5 (MANE Select); coding-DNA position 67, G replaced by T.
Protein change: p.Ala23Ser; replaces alanine 23 with serine.
Molecular consequence: missense variant.
Genome position (GRCh38, 1-based): chr6:47,309,445, C>A on the plus strand (G>T on the coding strand, the complement: TNFRSF21 is on the minus strand). VCF-style: chr6-47309445-C-A. GRCh37 (hg19) VCF-style: chr6-47277181-C-A.
Other names: short protein forms A23S.
Identifiers: ClinVar variation 774311 (VCV000774311.5), dbSNP rs200394782, ClinGen allele CA3843826.